The following is an entry in ClinVar:

NM_024675.4(PALB2):c.2378G>T (p.Gly793Val)

Gene: PALB2 (partner and localizer of BRCA2; minus strand). Cytogenetic location: 16p12.2.
Variant type: single nucleotide variant.
Coding change: c.2378G>T on transcript NM_024675.4 (MANE Select); coding-DNA position 2378, G replaced by T.
Protein change: p.Gly793Val; replaces glycine 793 with valine.
Molecular consequence: missense variant. On other transcripts: intron variant (1).
Genome position (GRCh38, 1-based): chr16:23,629,776, C>A on the plus strand (G>T on the coding strand, the complement: PALB2 is on the minus strand). VCF-style: chr16-23629776-C-A. GRCh37 (hg19) VCF-style: chr16-23641097-C-A.
Other names: c.2318G>T, p.Gly773Val (NM_001407296.1); c.2378G>T, p.Gly793Val (NM_001407297.1, NM_001407298.1, NM_001407299.1 and 3 more transcripts); c.1493G>T, p.Gly498Val (NM_001407304.1, NM_001407305.1, NM_001407306.1 and 5 more transcripts); c.590G>T, p.Gly197Val (NM_001407312.1, NM_001407313.1); c.49-501G>T (NM_001407314.1); short protein forms G197V, G498V, G773V, G793V.
Identifiers: ClinVar variation 5038366 (VCV005038366.1).
Genomic context (GRCh38, chr16:23,629,776, plus strand): 5'-ATGGGTGGAGGTGTTCCTGGCGGGACAGAGTCACAGTCACAGGTAGGTTGTCCTTGCCTG[C>A]CTGACACTTGCAGGGTGGTATGTGGTTTTGCTGGGCTGCCTGAACTGTCGAATTGTTTAG-3'
Protein context (NP_078951.2, residues 783-803): AKPHTTLQVS[Gly793Val]RQGQPTCDCD

ClinVar aggregate classification (germline): Uncertain significance (1 of 4 stars; one submission).

Conditions:
Familial cancer of breast. Also called: hereditary breast carcinoma; BREAST CANCER, FAMILIAL; Hereditary breast cancer. Identifiers: Orphanet 227535, MedGen C0346153, MONDO:0016419, OMIM 114480. Disease mechanism: loss of function.

gnomAD v4.1: 1 of 1,614,184 alleles (0.000062%); highest among the groups gnomAD compares: Admixed American, 0.0017%; no homozygotes.

Submission:

St. Jude Molecular Pathology, St. Jude Children's Research Hospital
Classification: Uncertain significance for Familial cancer of breast. Last evaluated: 2026-10-01. Review status: criteria provided, single submitter. Criteria: St. Jude Assertion Criteria 2020. Collection method: clinical testing. Allele origin: germline.
Comment: The PALB2 c.2378G>T p.(Gly793Val) missense change has a maximum subpopulation frequency of 0.003% in gnomAD v2.1.1. The in silico tool REVEL predicts a benign effect on protein function, but to our knowledge this pred iction has not been confirmed by functional studies. To our knowledge, this variant has not been reported as pathogenic in individuals with PALB2-associated conditions. In summary, the evidence currently available is insufficient to determine the clinica l significance of this variant. It has therefore been classified as of uncertain significance.